The following is an entry in ClinVar:

NM_006757.4(TNNT3):c.367-9T>C

Gene: TNNT3 (troponin T3, fast skeletal type; plus strand). Cytogenetic location: 11p15.5.
Variant type: single nucleotide variant.
Coding change: c.367-9T>C on transcript NM_006757.4 (MANE Select); 9 bases into the intron before coding-DNA position 367, T replaced by C.
Molecular consequence: intron variant.
Genome position (GRCh38, 1-based): chr11:1,934,323, T>C. VCF-style: chr11-1934323-T-C. GRCh37 (hg19) VCF-style: chr11-1955553-T-C.
Other names: c.343-9T>C (NM_001297646.2, NM_001042780.3, NM_001042782.3 and 2 more transcripts); c.400-9T>C (NM_001367846.1); c.376-9T>C (NM_001363561.2, NM_001367847.1); c.361-9T>C (NM_001042781.3, NM_001367843.1, NM_001367842.1); c.364-9T>C (NM_001367848.1); c.310-9T>C (NM_001367850.1); c.163-9T>C (NM_001367851.1, NM_001367852.1); c.355-9T>C (NM_001367849.1).
Identifiers: ClinVar variation 260027 (VCV000260027.18), dbSNP rs76471485, ClinGen allele CA5816471.
Genomic context (GRCh38, chr11:1,934,323, plus strand): 5'-CCTAAAGCCTGCCCAGAAAGCATAGCCCTCTCTCCATCCCTGAGCATCTTGGGAATGGGG[T>C]CTCCACAGGAGGAAAAGGCCAGAAGGGAGGAGGAGGATGCCAAGAGGAGGGCAGAGGACG-3'

ClinVar aggregate classification (germline): Benign/Likely benign. Review status: criteria provided, multiple submitters, no conflicts (2 of 4 stars). 7 submissions from 7 submitters: Benign (3); Likely benign (2). 2 of the submissions do not count toward it. Last evaluated 2026-01-26.

Conditions:
Distal arthrogryposis type 2B1 (DA2B1). Also called: Arthrogryposis multiplex congenita distal type II with craniofacial abnormalities. Identifiers: Orphanet 1147, MedGen C5193014, MONDO:0020820, OMIM 601680.

Allele frequency attached by ClinVar (database versions not stated): 1000 Genomes Project 0.00599; ESP Exome Variant Server 0.00793; gnomAD 0.00859 and 0.00848; TOPMed 0.00569; 1000 Genomes Project 30x 0.00578; ExAC 0.01102.
gnomAD v4.1: 16,520 of 1,610,516 alleles (1%); highest among the groups gnomAD compares: Non-Finnish European, 1.1%; 102 homozygotes.

Submissions (7):

Labcorp Genetics (formerly Invitae), Labcorp
Classification: Benign. Last evaluated: 2026-01-26. Review status: criteria provided, single submitter. Criteria: Invitae Variant Classification Sherloc (09022015). Collection method: clinical testing. Allele origin: germline.

GeneDx
Classification: Likely benign. Last evaluated: 2021-03-22. Review status: criteria provided, single submitter. Criteria: GeneDx Variant Classification Process June 2021. Collection method: clinical testing. Allele origin: germline. Affected: yes.

Illumina Laboratory Services, Illumina
Classification: Benign for Distal arthrogryposis type 2B1. Last evaluated: 2018-01-12. Review status: criteria provided, single submitter. Criteria: ICSL Variant Classification Criteria 13 December 2019. Collection method: clinical testing. Allele origin: germline.
Comment: This variant was observed in the ICSL laboratory as part of a predisposition screen in an ostensibly healthy population. It had not been previously curated by ICSL or reported in the Human Gene Mutation Database (HGMD: prior to June 1st, 2018), and was therefore a candidate for classification through an automated scoring system. Utilizing variant allele frequency, disease prevalence and penetrance estimates, and inheritance mode, an automated score was calculated to assess if this variant is too frequent to cause the disease. Based on the score and internal cut-off values, a variant classified as benign is not then subjected to further curation. The score for this variant resulted in a classification of benign for this disease.

PreventionGenetics, part of Exact Sciences
Classification: Benign. Last evaluated: 2016-02-15. Review status: criteria provided, single submitter. Criteria: ACMG Guidelines, 2015. Collection method: clinical testing. Allele origin: germline.

Breakthrough Genomics
Classification: Likely benign. Review status: criteria provided, single submitter. Criteria: ACMG Guidelines, 2015. Collection method: not provided. Allele origin: germline. Inheritance: Autosomal dominant inheritance. Affected: yes.

Clinical Genetics, Academic Medical Center
Classification: Benign. Review status: no assertion criteria provided. Collection method: clinical testing. Allele origin: germline. Affected: yes. Study: VKGL Data-share Consensus. Not counted in ClinVar's aggregate classification.

Genome Diagnostics Laboratory, University Medical Center Utrecht
Classification: Benign. Review status: no assertion criteria provided. Collection method: clinical testing. Allele origin: germline. Affected: yes. Study: VKGL Data-share Consensus. Not counted in ClinVar's aggregate classification.